The following is an entry in ClinVar:

ClinVar aggregate classification (germline): Uncertain significance (1 of 4 stars; one submission).

Allele frequency attached by ClinVar (database versions not stated): gnomAD exomes below 0.00001; TOPMed below 0.00001; gnomAD 0.00001.
gnomAD v4.1: 4 of 1,612,768 alleles (0.00025%); highest among the groups gnomAD compares: Non-Finnish European, 0.00034%; no homozygotes.

Submission:

Labcorp Genetics (formerly Invitae), Labcorp
Classification: Uncertain significance. Last evaluated: 2022-05-17. Review status: criteria provided, single submitter. Criteria: Invitae Variant Classification Sherloc (09022015). Collection method: clinical testing. Allele origin: germline.
Comment: In summary, the available evidence is currently insufficient to determine the role of this variant in disease. Therefore, it has been classified as a Variant of Uncertain Significance. Algorithms developed to predict the effect of missense changes on protein structure and function (SIFT, PolyPhen-2, Align-GVGD) all suggest that this variant is likely to be tolerated. This variant has not been reported in the literature in individuals affected with SGPL1-related conditions. This variant is not present in population databases (gnomAD no frequency). This sequence change replaces lysine, which is basic and polar, with glutamic acid, which is acidic and polar, at codon 494 of the SGPL1 protein (p.Lys494Glu).

NM_003901.4(SGPL1):c.1480A>G (p.Lys494Glu)

Gene: SGPL1 (sphingosine-1-phosphate lyase 1; plus strand). Cytogenetic location: 10q22.1.
Variant type: single nucleotide variant.
Coding change: c.1480A>G on transcript NM_003901.4 (MANE Select); coding-DNA position 1480, A replaced by G.
Protein change: p.Lys494Glu; replaces lysine 494 with glutamic acid.
Molecular consequence: missense variant.
Genome position (GRCh38, 1-based): chr10:70,876,575, A>G. VCF-style: chr10-70876575-A-G. GRCh37 (hg19) VCF-style: chr10-72636332-A-G.
Other names: short protein forms K494E.
Identifiers: ClinVar variation 1941157 (VCV001941157.5), dbSNP rs1351734448, ClinGen allele CA377126603.